The following is an entry in ClinVar:

NM_001849.4(COL6A2):c.1402C>T (p.Arg468Ter)

Gene: COL6A2 (collagen type VI alpha 2 chain; plus strand). Cytogenetic location: 21q22.3.
Variant type: single nucleotide variant.
Coding change: c.1402C>T on transcript NM_001849.4 (MANE Select); coding-DNA position 1402, C replaced by T.
Protein change: p.Arg468Ter; replaces arginine 468 with a stop codon.
Molecular consequence: nonsense.
Genome position (GRCh38, 1-based): chr21:46,121,067, C>T. VCF-style: chr21-46121067-C-T. GRCh37 (hg19) VCF-style: chr21-47540981-C-T.
Other names: c.1402C>T, p.Arg468Ter (NM_058174.3, NM_058175.3); short protein forms R468*.
Identifiers: ClinVar variation 565700 (VCV000565700.55), dbSNP rs374669775, ClinGen allele CA10071866.

ClinVar aggregate classification (germline): Conflicting classifications of pathogenicity. Review status: criteria provided, conflicting classifications (1 of 4 stars). 7 submissions from 7 submitters: Pathogenic (4); Likely pathogenic (1); Uncertain significance (1). 1 of the submissions does not count toward it. Last evaluated 2026-07-10.

Conditions:
COL6A2-related disorder.
Collagen 6-related myopathy. Identifiers: MedGen CN117976, MONDO:0100225.
Ullrich congenital muscular dystrophy 1A. Also called: Ullrich congenital muscular dystrophy 1; Intermediate COL6-RD. Identifiers: Orphanet 75840, MedGen C0410179, MONDO:0009681, OMIM 254090.
Ullrich congenital muscular dystrophy 1B (UCMD1B). Identifiers: MedGen C5935582, MONDO:0958235, OMIM 620727.
Bethlem myopathy 1A. Also called: MYOPATHY, BENIGN CONGENITAL, WITH CONTRACTURES; Bethlem myopathy 1; Bethlem Muscular Dystrophy. Identifiers: Orphanet 610, MedGen CN029274, MONDO:0024530, OMIM 158810.

Allele frequency attached by ClinVar (database versions not stated): gnomAD exomes 0.00001; TOPMed 0.00001; ExAC 0.00003; ESP Exome Variant Server 0.00008.
gnomAD v4.1: 13 of 1,612,716 alleles (0.00081%); highest among the groups gnomAD compares: African/African-American, 0.0013%; no homozygotes.

Submissions (7):

Clinical Omics and Informatics (COIN) Unit, Neuroscience Institute, University Of Cape Town
Classification: Pathogenic for Collagen 6-related myopathy. Last evaluated: 2026-07-10. Review status: criteria provided, single submitter. Criteria: ACMG Guidelines, 2015. Collection method: research. Allele origin: germline. Inheritance: Autosomal recessive inheritance. Affected: yes. Observed: 1 variant allele, 1 compound heterozygote.
Comment: PM2_supporting: the highest population allele frequency in gnomAD v2.1.1 is 0.0001001 (0.01%; 1/9990 alleles in Ashkenazi Jewish population) and the variant is absent from gnomAD v3.1.2 (adequate coverage >20X confirmed). The variant is absent from an internal database. PM1 met: this variant is in the collagen triple helix (TH) repeat domain together with other pathogenic variants (PMID 24038877). PS4_moderate: variant identified in at least 5 unrelated probands with consistent phenotype for disorder (PMID 23326386, 20976770, 37569848, 29419890). PVS1 met: null variant (nonsense, predicted to undergo NMD, exon is present in a biologically-relevant transcript in a gene where LOF is a known mechanism of disease). Sequencing funded by the International Centre for Genomic Medicine in Neuromuscular Diseases (ICGNMD).

Labcorp Genetics (formerly Invitae), Labcorp
Classification: Pathogenic for Bethlem myopathy 1A. Last evaluated: 2025-01-20. Review status: criteria provided, single submitter. Criteria: Invitae Variant Classification Sherloc (09022015). Collection method: clinical testing. Allele origin: germline.
Comment: This sequence change creates a premature translational stop signal (p.Arg468*) in the COL6A2 gene. It is expected to result in an absent or disrupted protein product. Loss-of-function variants in COL6A2 are known to be pathogenic (PMID: 19884007, 20976770). This variant is present in population databases (rs374669775, gnomAD 0.01%). This premature translational stop signal has been observed in individual(s) with autosomal recessive collagenopathy (PMID: 23326386, 29419890). ClinVar contains an entry for this variant (Variation ID: 565700). For these reasons, this variant has been classified as Pathogenic.

Genomic Medicine Center of Excellence, King Faisal Specialist Hospital and Research Centre
Classification: Uncertain significance for Ullrich congenital muscular dystrophy 1B. Last evaluated: 2024-03-25. Review status: criteria provided, single submitter. Criteria: ACMG Guidelines, 2015. Collection method: clinical testing. Allele origin: germline.

CeGaT Center for Human Genetics Tuebingen
Classification: Pathogenic. Last evaluated: 2020-07-01. Review status: criteria provided, single submitter. Criteria: CeGaT Center For Human Genetics Tuebingen Variant Classification Criteria Version 2. Collection method: clinical testing. Allele origin: germline. Affected: yes. Observed: 1 variant allele.

Blueprint Genetics
Classification: Likely pathogenic for COL6A2-related disorders. Last evaluated: 2018-11-15. Review status: criteria provided, single submitter. Criteria: ACMG Guidelines, 2015. Collection method: clinical testing. Allele origin: germline. Affected: yes. Observed: 3 variant alleles.

Hadassah Hebrew University Medical Center
Classification: Pathogenic for Ullrich congenital muscular dystrophy 1A. Review status: criteria provided, single submitter. Criteria: ACMG Guidelines, 2015. Collection method: research. Allele origin: germline. Affected: no. Observed: 2 variant alleles.

GeneReviews
No classification provided. Condition: Bethlem myopathy 1A. Review status: no classification provided. Collection method: literature only. Allele origin: germline. Not counted in ClinVar's aggregate classification.
Comment: Common variant that in homozygosity results in loss of function

Literature cited by the submitters: PubMed 24038877 (cited by Clinical Omics and Informatics (COIN) Unit, Neuroscience Institute, University Of Cape Town); PubMed 23326386 (cited by 3 submitters); PubMed 20976770 (cited by Clinical Omics and Informatics (COIN) Unit, Neuroscience Institute, University Of Cape Town and Labcorp Genetics (formerly Invitae), Labcorp); PubMed 37569848 (cited by Clinical Omics and Informatics (COIN) Unit, Neuroscience Institute, University Of Cape Town); PubMed 29419890 (cited by Clinical Omics and Informatics (COIN) Unit, Neuroscience Institute, University Of Cape Town and Labcorp Genetics (formerly Invitae), Labcorp); PubMed 19884007 (cited by Labcorp Genetics (formerly Invitae), Labcorp); PubMed 20301676 (cited by GeneReviews).